The following is an entry in ClinVar:

NM_016277.5(RAB23):c.505T>C (p.Tyr169His)

Gene: RAB23 (RAB23, member RAS oncogene family; minus strand). Cytogenetic location: 6p12.1.
Variant type: single nucleotide variant.
Coding change: c.505T>C on transcript NM_016277.5 (MANE Select); coding-DNA position 505, T replaced by C.
Protein change: p.Tyr169His; replaces tyrosine 169 with histidine.
Molecular consequence: missense variant. On other transcripts: non-coding transcript variant (1).
Genome position (GRCh38, 1-based): chr6:57,193,911, A>G on the plus strand (T>C on the coding strand, the complement: RAB23 is on the minus strand). VCF-style: chr6-57193911-A-G. GRCh37 (hg19) VCF-style: chr6-57058709-A-G.
Other names: c.505T>C, p.Tyr169His (NM_001278666.2, NM_001278667.2, NM_001278668.2 and 1 more transcripts); short protein forms Y169H.
Identifiers: ClinVar variation 3357392 (VCV003357392.2).

ClinVar aggregate classification (germline): Uncertain significance (1 of 4 stars; one submission).

Conditions:
RAB23-related disorder. Also called: RAB23-related condition.

gnomAD v4.1: 59 of 1,612,730 alleles (0.0037%); highest among the groups gnomAD compares: Middle Eastern, 0.017%; no homozygotes.

Submission:

PreventionGenetics, part of Exact Sciences
Classification: Uncertain significance for RAB23-related condition. Last evaluated: 2025-08-28. Review status: criteria provided, single submitter. Criteria: ACMG Guidelines, 2015. Collection method: clinical testing. Allele origin: germline.
Comment: The RAB23 c.505T>C variant is predicted to result in the amino acid substitution p.Tyr169His. To our knowledge, this variant has not been reported in the literature. This variant is reported in 0.0053% of alleles in individuals of European (Non-Finnish) descent in gnomAD. At this time, the clinical significance of this variant is uncertain due to the absence of conclusive functional and genetic evidence.